The following is an entry in ClinVar:

NM_152383.5(DIS3L2):c.2224C>A (p.Arg742Ser)

Gene: DIS3L2 (DIS3 like 3'-5' exoribonuclease 2; plus strand). Cytogenetic location: 2q37.1.
Variant type: single nucleotide variant.
Coding change: c.2224C>A on transcript NM_152383.5 (MANE Select); coding-DNA position 2224, C replaced by A.
Protein change: p.Arg742Ser; replaces arginine 742 with serine.
Molecular consequence: missense variant. On other transcripts: non-coding transcript variant (2), intron variant (1).
Genome position (GRCh38, 1-based): chr2:232,334,434, C>A. VCF-style: chr2-232334434-C-A. GRCh37 (hg19) VCF-style: chr2-233199144-C-A.
Other names: c.1582-8911C>A (NM_001257281.2); short protein forms R742S.
Identifiers: ClinVar variation 1968322 (VCV001968322.5), dbSNP rs766597912, ClinGen allele CA2164456.

ClinVar aggregate classification (germline): Uncertain significance (1 of 4 stars; one submission).

Conditions:
Perlman syndrome (PRLMNS). Identifiers: Orphanet 2849, MedGen C0796113, MONDO:0009965, OMIM 267000.

gnomAD v4.1: 2 of 1,613,852 alleles (0.00012%); highest among the groups gnomAD compares: Non-Finnish European, 0.00017%; no homozygotes.

Submission:

Labcorp Genetics (formerly Invitae), Labcorp
Classification: Uncertain significance for Perlman syndrome. Last evaluated: 2022-04-12. Review status: criteria provided, single submitter. Criteria: Invitae Variant Classification Sherloc (09022015). Collection method: clinical testing. Allele origin: germline.
Comment: This sequence change replaces arginine, which is basic and polar, with serine, which is neutral and polar, at codon 742 of the DIS3L2 protein (p.Arg742Ser). In summary, the available evidence is currently insufficient to determine the role of this variant in disease. Therefore, it has been classified as a Variant of Uncertain Significance. Algorithms developed to predict the effect of missense changes on protein structure and function are either unavailable or do not agree on the potential impact of this missense change (SIFT: "Deleterious"; PolyPhen-2: "Probably Damaging"; Align-GVGD: "Class C0"). This variant has not been reported in the literature in individuals affected with DIS3L2-related conditions. This variant is present in population databases (rs766597912, gnomAD 0.0009%).